The following is an entry in ClinVar:

NM_002075.4(GNB3):c.178G>A (p.Ala60Thr)

Gene: GNB3 (G protein subunit beta 3; plus strand). Cytogenetic location: 12p13.31.
Variant type: single nucleotide variant.
Coding change: c.178G>A on transcript NM_002075.4 (MANE Select); coding-DNA position 178, G replaced by A.
Protein change: p.Ala60Thr; replaces alanine 60 with threonine.
Molecular consequence: missense variant.
Genome position (GRCh38, 1-based): chr12:6,843,051, G>A. VCF-style: chr12-6843051-G-A. GRCh37 (hg19) VCF-style: chr12-6952215-G-A.
Other names: c.178G>A, p.Ala60Thr (NM_001297571.2); short protein forms A60T.
Identifiers: ClinVar variation 1370883 (VCV001370883.6), dbSNP rs782554195, ClinGen allele CA6417434.
Genomic context (GRCh38, chr12:6,843,051, plus strand): 5'-GTGGGACGAGTCCAGATGCGGACGCGGCGGACGTTAAGGGGACACCTGGCCAAGATTTAC[G>A]CCATGCACTGGGCCACTGATTCTAAGTGAGGCTTGGGGGGGAACCGAGAATGGGAGGGTG-3'
Protein context (NP_002066.1, residues 50-70): TLRGHLAKIY[Ala60Thr]MHWATDSKLL

ClinVar aggregate classification (germline): Uncertain significance (1 of 4 stars; one submission).

Allele frequency attached by ClinVar (database versions not stated): gnomAD exomes below 0.00001 and 0.00001; TOPMed below 0.00001; ExAC 0.00001.
gnomAD v4.1: 11 of 1,594,216 alleles (0.00069%); highest among the groups gnomAD compares: African/African-American, 0.0027%; no homozygotes.

Submission:

Labcorp Genetics (formerly Invitae), Labcorp
Classification: Uncertain significance. Last evaluated: 2022-06-20. Review status: criteria provided, single submitter. Criteria: Invitae Variant Classification Sherloc (09022015). Collection method: clinical testing. Allele origin: germline.
Comment: In summary, the available evidence is currently insufficient to determine the role of this variant in disease. Therefore, it has been classified as a Variant of Uncertain Significance. Algorithms developed to predict the effect of missense changes on protein structure and function are either unavailable or do not agree on the potential impact of this missense change (SIFT: "Tolerated"; PolyPhen-2: "Probably Damaging"; Align-GVGD: "Class C0"). This variant has not been reported in the literature in individuals affected with GNB3-related conditions. This variant is present in population databases (rs782554195, gnomAD 0.0009%). This sequence change replaces alanine, which is neutral and non-polar, with threonine, which is neutral and polar, at codon 60 of the GNB3 protein (p.Ala60Thr).